The following is an entry in ClinVar:

ClinVar aggregate classification (germline): Likely benign. Review status: criteria provided, multiple submitters, no conflicts (2 of 4 stars). 9 submissions from 9 submitters: Likely benign (8). 1 of the submissions does not count toward it. Last evaluated 2026-09-01.

Conditions:
Inborn genetic diseases. Identifiers: MedGen C0950123, MeSH D030342.
Developmental and epileptic encephalopathy, 11 (DEE11). Also called: Early infantile epileptic encephalopathy 11. Identifiers: Orphanet 1934, MedGen C3150987, MONDO:0013388, OMIM 613721.
Seizures, benign familial infantile, 3 (BFIS3). Also called: CONVULSIONS, BENIGN FAMILIAL INFANTILE, 3; Familial neonatal seizures. Identifiers: Orphanet 140927, Orphanet 306, MedGen C1843140, MONDO:0011904, OMIM 607745.
SCN2A-related disorder. Also called: SCN2A-related disorders; SCN2A-related condition. Identifiers: MedGen CN382226, MONDO:1060245.

Allele frequency attached by ClinVar (database versions not stated): TOPMed 0.00045; gnomAD 0.00047 and 0.00050; ExAC 0.00022; ESP Exome Variant Server 0.00023; gnomAD exomes 0.00032.
gnomAD v4.1: 606 of 1,614,108 alleles (0.038%); highest among the groups gnomAD compares: Admixed American, 0.097%; 2 homozygotes.

Submissions (9):

CeGaT Center for Human Genetics Tuebingen
Classification: Likely benign. Last evaluated: 2026-09-01. Review status: criteria provided, single submitter. Criteria: CeGaT Center For Human Genetics Tuebingen Variant Classification Criteria Version 2. Collection method: clinical testing. Allele origin: germline. Affected: yes. Observed: 8 variant alleles.
Comment: SCN2A: BP4, BP7

Labcorp Genetics (formerly Invitae), Labcorp
Classification: Likely benign for Seizures, benign familial infantile, 3; Developmental and epileptic encephalopathy, 11. Last evaluated: 2025-12-03. Review status: criteria provided, single submitter. Criteria: Invitae Variant Classification Sherloc (09022015). Collection method: clinical testing. Allele origin: germline.

Blueprint Genetics
Classification: Likely benign. Last evaluated: 2024-10-24. Review status: criteria provided, single submitter. Criteria: ACMG Guidelines, 2015. Collection method: clinical testing. Allele origin: germline.

GeneDx
Classification: Likely benign. Last evaluated: 2021-06-15. Review status: criteria provided, single submitter. Criteria: GeneDx Variant Classification Process June 2021. Collection method: clinical testing. Allele origin: germline. Affected: yes.

Illumina Laboratory Services, Illumina
Classification: Likely benign for Seizures, benign familial infantile, 3. Last evaluated: 2018-01-12. Review status: criteria provided, single submitter. Criteria: ICSL Variant Classification Criteria 13 December 2019. Collection method: clinical testing. Allele origin: germline.
Comment: This variant was observed in the ICSL laboratory as part of a predisposition screen in an ostensibly healthy population. It had not been previously curated by ICSL or reported in the Human Gene Mutation Database (HGMD: prior to June 1st, 2018), and was therefore a candidate for classification through an automated scoring system. Utilizing variant allele frequency, disease prevalence and penetrance estimates, and inheritance mode, an automated score was calculated to assess if this variant is too frequent to cause the disease. Based on the score and internal cut-off values, a variant classified as likely benign is not then subjected to further curation. The score for this variant resulted in a classification of likely benign for this disease.

Ambry Genetics
Classification: Likely benign for Inborn genetic diseases. Last evaluated: 2017-05-31. Review status: criteria provided, single submitter. Criteria: Ambry Variant Classification Scheme 2023. Collection method: clinical testing. Allele origin: germline.

Genetic Services Laboratory, University of Chicago
Classification: Likely benign. Last evaluated: 2016-10-11. Review status: criteria provided, single submitter. Criteria: ACMG Guidelines, 2015. Collection method: clinical testing. Allele origin: germline. Affected: no.

Breakthrough Genomics
Classification: Likely benign. Review status: criteria provided, single submitter. Criteria: ACMG Guidelines, 2015. Collection method: not provided. Allele origin: germline. Inheritance: Autosomal dominant inheritance. Affected: yes.

PreventionGenetics, part of Exact Sciences
Classification: Likely benign for SCN2A-related condition. Last evaluated: 2023-10-03. Review status: no assertion criteria provided. Collection method: clinical testing. Allele origin: germline. Not counted in ClinVar's aggregate classification.
Comment: This variant is classified as likely benign based on ACMG/AMP sequence variant interpretation guidelines (Richards et al. 2015 PMID: 25741868, with internal and published modifications).

NM_001040142.2(SCN2A):c.5155T>C (p.Leu1719=)

Gene: SCN2A (sodium voltage-gated channel alpha subunit 2; plus strand). Cytogenetic location: 2q24.3.
Variant type: single nucleotide variant.
Coding change: c.5155T>C on transcript NM_001040142.2 (MANE Select); coding-DNA position 5155, T replaced by C.
Protein change: p.Leu1719=; no amino-acid change (leucine 1719 retained).
Molecular consequence: synonymous variant.
Genome position (GRCh38, 1-based): chr2:165,388,961, T>C. VCF-style: chr2-165388961-T-C. GRCh37 (hg19) VCF-style: chr2-166245471-T-C.
Other names: c.5155T>C, p.Leu1719= (NM_001040143.2, NM_001371246.1, NM_001371247.1 and 1 more transcripts).
Identifiers: ClinVar variation 331737 (VCV000331737.66), dbSNP rs199698414, ClinGen allele CA1940369.
Genomic context (GRCh38, chr2:165,388,961, plus strand): 5'-ACCTTTGGCAACAGCATGATCTGCCTGTTCCAAATTACAACCTCTGCTGGCTGGGATGGA[T>C]TGCTAGCACCTATTCTTAATAGTGGACCTCCAGACTGTGACCCTGACAAAGATCACCCTG-3'
Protein context (NP_001035232.1, residues 1709-1729): QITTSAGWDG[Leu1719=]LAPILNSGPP